The following is an entry in ClinVar:

ClinVar aggregate classification (germline): Uncertain significance. Review status: criteria provided, multiple submitters, no conflicts (2 of 4 stars). 2 submissions from 2 submitters: Uncertain significance (2). Last evaluated 2024-09-08.

Allele frequency attached by ClinVar (database versions not stated): gnomAD 0.00003; TOPMed 0.00003; ExAC 0.00005.
gnomAD v4.1: 44 of 1,613,826 alleles (0.0027%); highest among the groups gnomAD compares: Middle Eastern, 0.16%; no homozygotes.

Submissions (2):

Ambry Genetics
Classification: Uncertain significance. Last evaluated: 2024-09-08. Review status: criteria provided, single submitter. Criteria: Ambry Variant Classification Scheme 2023. Collection method: clinical testing. Allele origin: germline.

Labcorp Genetics (formerly Invitae), Labcorp
Classification: Uncertain significance. Last evaluated: 2022-10-17. Review status: criteria provided, single submitter. Criteria: Invitae Variant Classification Sherloc (09022015). Collection method: clinical testing. Allele origin: germline.
Comment: This sequence change replaces glycine, which is neutral and non-polar, with aspartic acid, which is acidic and polar, at codon 760 of the PTPRO protein (p.Gly760Asp). This variant is present in population databases (rs767372861, gnomAD 0.02%). This variant has not been reported in the literature in individuals affected with PTPRO-related conditions. Algorithms developed to predict the effect of missense changes on protein structure and function are either unavailable or do not agree on the potential impact of this missense change (SIFT: "Deleterious"; PolyPhen-2: "Benign"; Align-GVGD: "Class C65"). In summary, the available evidence is currently insufficient to determine the role of this variant in disease. Therefore, it has been classified as a Variant of Uncertain Significance.

NM_030667.3(PTPRO):c.2279G>A (p.Gly760Asp)

Gene: PTPRO (protein tyrosine phosphatase receptor type O; plus strand). Cytogenetic location: 12p12.3.
Variant type: single nucleotide variant.
Coding change: c.2279G>A on transcript NM_030667.3 (MANE Select); coding-DNA position 2279, G replaced by A.
Protein change: p.Gly760Asp; replaces glycine 760 with aspartic acid.
Molecular consequence: missense variant. On other transcripts: 5 prime UTR variant (4).
Genome position (GRCh38, 1-based): chr12:15,546,683, G>A. VCF-style: chr12-15546683-G-A. GRCh37 (hg19) VCF-style: chr12-15699617-G-A.
Other names: c.2279G>A, p.Gly760Asp (NM_002848.4); c.-155G>A (NM_030668.3, NM_030669.3, NM_030670.3 and 1 more transcripts); c.2279G>A (NM_030667.2); short protein forms G760D.
Identifiers: ClinVar variation 2145045 (VCV002145045.2), dbSNP rs767372861, ClinGen allele CA6466774.